The following is an entry in ClinVar:

ClinVar aggregate classification (germline): Uncertain significance. Review status: criteria provided, multiple submitters, no conflicts (2 of 4 stars). 2 submissions from 2 submitters: Uncertain significance (2). Last evaluated 2026-07-07.

Conditions:
Oligodontia-cancer predisposition syndrome. Also called: TOOTH AGENESIS-COLORECTAL CANCER SYNDROME. Identifiers: Orphanet 300576, MedGen C1837750, MONDO:0012075, OMIM 608615. Disease mechanism: loss of function.
Hereditary cancer-predisposing syndrome. Also called: Hereditary neoplastic syndrome; Hereditary Cancer Syndrome; Neoplastic Syndromes, Hereditary; Tumor predisposition. Identifiers: Orphanet 140162, MedGen C0027672, MeSH D009386, MONDO:0015356.

Submissions (2):

Ambry Genetics
Classification: Uncertain significance for Hereditary cancer-predisposing syndrome. Last evaluated: 2026-07-07. Review status: criteria provided, single submitter. Criteria: Ambry Variant Classification Scheme 2023. Collection method: clinical testing. Allele origin: germline.
Comment: The p.T449A variant (also known as c.1345A>G), located in coding exon 5 of the AXIN2 gene, results from an A to G substitution at nucleotide position 1345. The threonine at codon 449 is replaced by alanine, an amino acid with similar properties. This amino acid position is conserved. In addition, the in silico prediction for this alteration is inconclusive. Based on the available evidence, the clinical significance of this variant remains unclear.

Labcorp Genetics (formerly Invitae), Labcorp
Classification: Uncertain significance for Oligodontia-cancer predisposition syndrome. Last evaluated: 2024-08-10. Review status: criteria provided, single submitter. Criteria: Invitae Variant Classification Sherloc (09022015). Collection method: clinical testing. Allele origin: germline.
Comment: This sequence change replaces threonine, which is neutral and polar, with alanine, which is neutral and non-polar, at codon 449 of the AXIN2 protein (p.Thr449Ala). This variant is not present in population databases (gnomAD no frequency). This variant has not been reported in the literature in individuals affected with AXIN2-related conditions. Advanced modeling of protein sequence and biophysical properties (such as structural, functional, and spatial information, amino acid conservation, physicochemical variation, residue mobility, and thermodynamic stability) performed at Invitae indicates that this missense variant is expected to disrupt AXIN2 protein function with a positive predictive value of 80%. In summary, the available evidence is currently insufficient to determine the role of this variant in disease. Therefore, it has been classified as a Variant of Uncertain Significance.

NM_004655.4(AXIN2):c.1345A>G (p.Thr449Ala)

Gene: AXIN2 (axin 2; minus strand). Cytogenetic location: 17q24.1.
Variant type: single nucleotide variant.
Coding change: c.1345A>G on transcript NM_004655.4 (MANE Select); coding-DNA position 1345, A replaced by G.
Protein change: p.Thr449Ala; replaces threonine 449 with alanine.
Molecular consequence: missense variant.
Genome position (GRCh38, 1-based): chr17:65,537,691, T>C on the plus strand (A>G on the coding strand, the complement: AXIN2 is on the minus strand). VCF-style: chr17-65537691-T-C. GRCh37 (hg19) VCF-style: chr17-63533809-T-C.
Other names: c.1345A>G, p.Thr449Ala (NM_001363813.1); short protein forms T449A.
Identifiers: ClinVar variation 2698825 (VCV002698825.4), dbSNP rs2509416453, ClinGen allele CA400677682.
Genomic context (GRCh38, chr17:65,537,691, plus strand): 5'-GGTCCGGGGAGCGGGAGCGGGGGCTATAGCGGCCTACGCCTGGAGACTGGCAGCCAGGGG[T>C]CTTGAGGACCCTGGACAGGTGATCGTCCAGTATCGTCTGCGGGTCTTCCTCGTAGCTGCC-3'
Protein context (NP_004646.3, residues 439-459): LDDHLSRVLK[Thr449Ala]PGCQSPGVGR